The following is an entry in ClinVar:

ClinVar aggregate classification (germline): Uncertain significance (1 of 4 stars; one submission).

Conditions:
Dyskeratosis congenita, autosomal dominant 1 (DKCA1). Also called: Dyskeratosis congenita Scoggins type. Identifiers: Orphanet 1775, MedGen C4551974, MONDO:0007485, OMIM 127550. Inheritance: Variable.

Allele frequency attached by ClinVar (database versions not stated): gnomAD 0.00001.
gnomAD v4.1: 1 of 764,522 alleles (0.00013%); highest among the groups gnomAD compares: Non-Finnish European, 0.00024%; no homozygotes.

Submission:

Labcorp Genetics (formerly Invitae), Labcorp
Classification: Uncertain significance for Dyskeratosis congenita, autosomal dominant 1. Last evaluated: 2022-10-07. Review status: criteria provided, single submitter. Criteria: Invitae Variant Classification Sherloc (09022015). Collection method: clinical testing. Allele origin: germline.
Comment: This variant is located at the 5’ end of the TERC RNA component (PMID: 15082312, 21844345). The functional significance of this region is not well understood. In summary, the available evidence is currently insufficient to determine the role of this variant in disease. Therefore, it has been classified as a Variant of Uncertain Significance. This variant has not been reported in the literature in individuals affected with TERC-related conditions. This variant is not present in population databases (gnomAD no frequency). This variant occurs in the TERC gene, which encodes an RNA molecule that does not result in a protein product.

Literature cited by the submitters: PubMed 15082312; PubMed 21844345.

NC_000003.12:g.169765049C>T

Genes: TERC (telomerase RNA component; minus strand), LOC110806306 (telomerase RNA component (TERC) promoter; plus strand). Cytogenetic location: 3q26.2.
Variant type: single nucleotide variant.
Genome position: GRCh38 VCF-style: chr3-169765049-C-T. GRCh37 (hg19) VCF-style: chr3-169482837-C-T.
Identifiers: ClinVar variation 1896247 (VCV001896247.5), dbSNP rs1777965667, ClinGen allele CA436716054.